The following is an entry in ClinVar:

NM_006393.3(NEBL):c.2612-11C>T

Gene: NEBL (nebulette; minus strand). Cytogenetic location: 10p12.31.
Variant type: single nucleotide variant.
Coding change: c.2612-11C>T on transcript NM_006393.3 (MANE Select); 11 bases into the intron before coding-DNA position 2612, C replaced by T.
Molecular consequence: intron variant.
Genome position (GRCh38, 1-based): chr10:20,808,670, G>A on the plus strand (C>T on the coding strand, the complement: NEBL is on the minus strand). VCF-style: chr10-20808670-G-A. GRCh37 (hg19) VCF-style: chr10-21097599-G-A.
Other names: c.421+4099C>T (NM_001377326.1, NM_001377327.1, NM_001377328.1); c.529+4099C>T (NM_213569.2, NM_001173484.2); c.622+1136C>T (NM_001377322.1); c.472+4099C>T (NM_001377324.1); c.463+4099C>T (NM_001377325.1); c.481+4099C>T (NM_001377323.1).
Identifiers: ClinVar variation 389340 (VCV000389340.6), dbSNP rs200934881, ClinGen allele CA5432380.
Genomic context (GRCh38, chr10:20,808,670, plus strand): 5'-ACTGCTGGAATGGGATCGAGACCAGTGTCGCCTATAGTGACTCGCCTTTTCTATATTGGA[G>A]GGAAAATATTTACACGTGTGATTAAGTGACTCGAAAAACAAAATCAACAAAAAATTACTT-3'

ClinVar aggregate classification (germline): Benign/Likely benign. Review status: criteria provided, multiple submitters, no conflicts (2 of 4 stars). 2 submissions from 2 submitters: Benign (1); Likely benign (1). Last evaluated 2025-10-05.

Conditions:
Primary dilated cardiomyopathy (DCM). Also called: Dilated Cardiomyopathy. Identifiers: Orphanet 217604, MedGen C0007193, MeSH D002311, MONDO:0005021, HP:0001644. Inheritance: Various modes of inheritance.

Allele frequency attached by ClinVar (database versions not stated): gnomAD 0.00007 and 0.00008; TOPMed 0.00007; ExAC 0.00008; ESP Exome Variant Server 0.00008; gnomAD exomes 0.00010.
gnomAD v4.1: 133 of 1,609,766 alleles (0.0083%); highest among the groups gnomAD compares: Non-Finnish European, 0.0079%; no homozygotes.

Submissions (2):

Labcorp Genetics (formerly Invitae), Labcorp
Classification: Benign for Primary dilated cardiomyopathy. Last evaluated: 2025-10-05. Review status: criteria provided, single submitter. Criteria: Invitae Variant Classification Sherloc (09022015). Collection method: clinical testing. Allele origin: germline.

GeneDx
Classification: Likely benign. Last evaluated: 2018-01-16. Review status: criteria provided, single submitter. Criteria: GeneDx Variant Classification (06012015). Collection method: clinical testing. Allele origin: germline. Affected: yes.
Comment: This variant is considered likely benign or benign based on one or more of the following criteria: it is a conservative change, it occurs at a poorly conserved position in the protein, it is predicted to be benign by multiple in silico algorithms, and/or has population frequency not consistent with disease.